The following is an entry in ClinVar:

NM_007294.4(BRCA1):c.75C>T (p.Pro25=)

Gene: BRCA1 (BRCA1 DNA repair associated; minus strand). Cytogenetic location: 17q21.31.
Variant type: single nucleotide variant.
Coding change: c.75C>T on transcript NM_007294.4 (MANE Select); coding-DNA position 75, C replaced by T.
Protein change: p.Pro25=; no amino-acid change (proline 25 retained).
Molecular consequence: synonymous variant. On other transcripts: 5 prime UTR variant (136), intron variant (36).
Genome position (GRCh38, 1-based): chr17:43,124,022, G>A on the plus strand (C>T on the coding strand, the complement: BRCA1 is on the minus strand). VCF-style: chr17-43124022-G-A. GRCh37 (hg19) VCF-style: chr17-41276039-G-A.
Other names: 194C/T; p.Pro25=; c.-114C>T (NM_001407571.1, NM_001407853.1, NM_001407879.1 and 46 more transcripts); c.75C>T, p.Pro25= (NM_001407581.1, NM_001407582.1, NM_001407583.1 and 193 more transcripts); c.-183C>T (NM_001407694.1, NM_001407724.1, NM_001407727.1 and 11 more transcripts); c.-187C>T (NM_001407695.1, NM_001408465.1); c.-328C>T (NM_001407696.1); c.-212C>T (NM_001407697.1, NM_001407846.1, NM_001407920.1); and 25 more.
Identifiers: ClinVar variation 55691 (VCV000055691.37), dbSNP rs80356839, ClinGen allele CA003853.

ClinVar aggregate classification (germline): Likely benign. Review status: reviewed by expert panel (3 of 4 stars). 22 submissions from 22 submitters: Likely benign (1). 21 of the submissions do not count toward it. Last evaluated 2017-06-29.

Conditions:
Breast and/or ovarian cancer. Identifiers: MedGen CN221562.
Hereditary cancer-predisposing syndrome. Also called: Hereditary Cancer Syndrome; Hereditary neoplastic syndrome; Neoplastic Syndromes, Hereditary; Tumor predisposition. Identifiers: Orphanet 140162, MedGen C0027672, MeSH D009386, MONDO:0015356.
Breast-ovarian cancer, familial, susceptibility to, 1 (BROVCA1). Also called: BRCA1 Hereditary Breast and Ovarian Cancer; OVARIAN CANCER, SUSCEPTIBILITY TO. Identifiers: Orphanet 145, MedGen C2676676, MONDO:0011450, OMIM 604370. Disease mechanism: loss of function.
Hereditary breast ovarian cancer syndrome. Also called: BRCA1- and BRCA2-Associated Hereditary Breast and Ovarian Cancer; Hereditary breast and ovarian cancer syndrome; Hereditary breast and ovarian cancer syndrome (HBOC); Breast and ovarian cancer; Hereditary breast and/or ovarian cancer syndrome; Hereditary breast and ovarian cancer. Identifiers: Orphanet 145, MedGen C0677776, MeSH D061325, MONDO:0003582. Disease mechanism: loss of function.
Familial cancer of breast. Also called: hereditary breast carcinoma; BREAST CANCER, FAMILIAL; Hereditary breast cancer. Identifiers: Orphanet 227535, MedGen C0346153, MONDO:0016419, OMIM 114480. Disease mechanism: loss of function.
Malignant tumor of breast. Also called: Cancer breast; Malignant breast neoplasm. Identifiers: MedGen C0006142, MONDO:0007254. Disease mechanism: loss of function.

Allele frequency attached by ClinVar (database versions not stated): TOPMed 0.00008; gnomAD 0.00004 and 0.00003; gnomAD exomes 0.00002; ExAC 0.00003.
gnomAD v4.1: 96 of 1,610,856 alleles (0.006%); highest among the groups gnomAD compares: East Asian, 0.049%; 3 homozygotes.

Submissions (22):

Evidence-based Network for the Interpretation of Germline Mutant Alleles (ENIGMA)
Classification: Likely benign for Breast-ovarian cancer, familial, susceptibility to, 1. Last evaluated: 2017-06-29. Review status: reviewed by expert panel. Criteria: ENIGMA BRCA1/2 Classification Criteria (2017-06-29). Collection method: curation. Allele origin: germline.
Comment: Synonymous substitution variant, with low bioinformatic likelihood to result in a splicing aberration (Splicing prior probability 0.02).

Labcorp Genetics (formerly Invitae), Labcorp
Classification: Benign for Hereditary breast ovarian cancer syndrome. Last evaluated: 2026-02-03. Review status: criteria provided, single submitter. Criteria: Invitae Variant Classification Sherloc (09022015). Collection method: clinical testing. Allele origin: germline. Not counted in ClinVar's aggregate classification.

Center for Genomic Medicine, Rigshospitalet, Copenhagen University Hospital
Classification: Likely benign. Last evaluated: 2025-03-04. Review status: criteria provided, single submitter. Criteria: ACMG Guidelines, 2015. Collection method: clinical testing. Allele origin: germline. Not counted in ClinVar's aggregate classification.

Mayo Clinic Laboratories, Mayo Clinic
Classification: Likely benign. Last evaluated: 2025-01-30. Review status: criteria provided, single submitter. Criteria: ACMG Guidelines, 2015. Collection method: clinical testing. Allele origin: germline. Observed: 4 variant alleles. Not counted in ClinVar's aggregate classification.
Comment: BS1_supporting, BP4, BP7

Blueprint Genetics
Classification: Likely benign. Last evaluated: 2024-11-08. Review status: criteria provided, single submitter. Criteria: ACMG Guidelines, 2015. Collection method: clinical testing. Allele origin: germline. Not counted in ClinVar's aggregate classification.

ARUP Laboratories, Molecular Genetics and Genomics, ARUP Laboratories
Classification: Benign. Last evaluated: 2024-10-10. Review status: criteria provided, single submitter. Criteria: ARUP Molecular Germline Variant Investigation Process 2024. Collection method: clinical testing. Allele origin: germline. Not counted in ClinVar's aggregate classification.

Institute for Biomarker Research, Medical Diagnostic Laboratories, L.L.C.
Classification: Likely benign for Hereditary breast ovarian cancer syndrome. Last evaluated: 2023-10-17. Review status: criteria provided, single submitter. Criteria: ACMG Guidelines, 2015. Collection method: clinical testing. Allele origin: germline. Not counted in ClinVar's aggregate classification.

KCCC/NGS Laboratory, Kuwait Cancer Control Center
Classification: Likely benign for Breast-ovarian cancer, familial, susceptibility to, 1. Last evaluated: 2023-07-07. Review status: criteria provided, single submitter. Criteria: ACMG Guidelines, 2015. Collection method: clinical testing. Allele origin: germline. Affected: yes. Not counted in ClinVar's aggregate classification.

CHEO Genetics Diagnostic Laboratory, Children's Hospital of Eastern Ontario
Classification: Likely benign for Breast and/or ovarian cancer. Last evaluated: 2021-06-14. Review status: criteria provided, single submitter. Criteria: ACMG Guidelines, 2015. Collection method: clinical testing. Allele origin: germline. Not counted in ClinVar's aggregate classification.

Sema4
Classification: Likely benign for Hereditary cancer-predisposing syndrome. Last evaluated: 2021-02-03. Review status: criteria provided, single submitter. Criteria: Sema4 Curation Guidelines. Collection method: curation. Allele origin: germline. Not counted in ClinVar's aggregate classification.

Department of Pathology and Molecular Medicine, Queen's University
Classification: Benign. Last evaluated: 2017-04-20. Review status: criteria provided, single submitter. Criteria: ACMG Guidelines, 2015. Collection method: clinical testing. Allele origin: germline. Study: The Canadian Open Genetics Repository (COGR). Not counted in ClinVar's aggregate classification.

Cancer Genetics and Genomics Laboratory, British Columbia Cancer Agency
Classification: Benign. Last evaluated: 2017-04-18. Review status: criteria provided, single submitter. Criteria: ACMG Guidelines, 2015. Collection method: clinical testing. Allele origin: germline. Study: The Canadian Open Genetics Repository (COGR). Not counted in ClinVar's aggregate classification.

Baylor Genetics
Classification: Benign for Familial cancer of breast. Last evaluated: 2017-02-23. Review status: criteria provided, single submitter. Criteria: ACMG Guidelines, 2015. Collection method: clinical testing. Allele origin: germline. Inheritance: Autosomal dominant inheritance. Affected: no. Not counted in ClinVar's aggregate classification.

Color Diagnostics, LLC DBA Color Health
Classification: Likely benign for Hereditary cancer-predisposing syndrome. Last evaluated: 2015-04-13. Review status: criteria provided, single submitter. Criteria: ACMG Guidelines, 2015. Collection method: clinical testing. Allele origin: germline. Not counted in ClinVar's aggregate classification.

Ambry Genetics
Classification: Likely benign for Hereditary cancer-predisposing syndrome. Last evaluated: 2014-08-04. Review status: criteria provided, single submitter. Criteria: Ambry Variant Classification Scheme 2023. Collection method: clinical testing. Allele origin: germline. Not counted in ClinVar's aggregate classification.

King Laboratory, University of Washington
Classification: Benign. Last evaluated: 2019-09-01. Review status: no assertion criteria provided. Collection method: research. Allele origin: germline. Affected: yes. Not counted in ClinVar's aggregate classification.
Comment: Transcript analysis by cBROCA

Breast Cancer Information Core (BIC) (BRCA1)
Classification: Benign for Breast-ovarian cancer, familial 1. Last evaluated: 2006-07-19. Review status: no assertion criteria provided. Collection method: clinical testing. Allele origin: germline. Affected: yes. Observed: 1 variant allele. Not counted in ClinVar's aggregate classification.

Clinical Genetics DNA and cytogenetics Diagnostics Lab, Erasmus MC, Erasmus Medical Center
Classification: Likely benign. Review status: no assertion criteria provided. Collection method: clinical testing. Allele origin: germline. Affected: yes. Study: VKGL Data-share Consensus. Not counted in ClinVar's aggregate classification.

Clinical Genetics Laboratory, Department of Pathology, Netherlands Cancer Institute
Classification: Likely benign. Review status: no assertion criteria provided. Collection method: clinical testing. Allele origin: germline. Affected: yes. Study: VKGL Data-share Consensus. Not counted in ClinVar's aggregate classification.

Department of Pathology and Laboratory Medicine, Sinai Health System
Classification: Benign for Malignant tumor of breast. Review status: no assertion criteria provided. Collection method: clinical testing. Allele origin: unknown. Affected: yes. Study: The Canadian Open Genetics Repository (COGR). Not counted in ClinVar's aggregate classification.
Comment: The BRCA1 p.Pro25Pro variant was identified in the literature (Bowles_2014_Myriad Publ, Ozcelik H_2012_22874498). However, no proband information was available. The variant was identified in dbSNP (ID: rs80356839) â€šÃ„ÃºWith Likely benign alleleâ€šÃ„Ã¹, Exome Aggregation Consortium (ExAC) database (released Oct 20th, 2014) in 4 of 120942 chromosomes (frequency: 3.31e-05) from a population of East Asian (4 of 8640 chromosomes) The variant was not found in African, Latino, South Asian, European (Finnish), European (Non-Finnish) and other individuals. The variant was also identified in the ClinVar database (classified as a Benign by BIC and Gene DX and as Likely Benign by Invitae), GeneInsight through the Canadian Open Genetics Repository (2X, classified as â€šÃ„ÃºIARC1 and IARC2â€šÃ„Ã¹ by 2 clinical laboratories), the BIC database (1X with unknown clinical importance).The variant was also previously identified by our laboratory 6X.The Pro25Pro variant is not expected to have clinical significance because it does not result in a change of amino acid and is not located in a known consensus splice site. In addition, in silico or computational prediction software programs (SpliceSiteFinder, MaxEntScan, NNSPLICE, GeneSplicer, HumanSpliceFinder) do not predict a difference in splicing. Additionally, at the ACMG Meeting in March 2014, ( Bowles_2014_Myriad Publ) Myriad announced that â€šÃ„ÃºBRCA1 c.75C>T (p.Pro25Pro) has been previously observed in a patient with decreased mRNA transcript levels and was postulated to be pathogenic. However, in Myriadâ€šÃ„Ã´s patient population, this variant co-occurs in trans with known deleterious BRCA1 mutations in five patients and has been found in the homozygous state in 14 patients, strongly indicating a benign classification. History weighting analysis confirms the benign nature of this variant.â€šÃ„Ã¹ In summary, based on the above information, this variant meets our laboratory's criteria to be classified as benign.

Genome Diagnostics Laboratory, University Medical Center Utrecht
Classification: Benign. Review status: no assertion criteria provided. Collection method: clinical testing. Allele origin: germline. Affected: yes. Study: VKGL Data-share Consensus. Not counted in ClinVar's aggregate classification.

Laboratory of Diagnostic Genome Analysis, Leiden University Medical Center (LUMC)
Classification: Likely benign. Review status: no assertion criteria provided. Collection method: clinical testing. Allele origin: germline. Affected: yes. Study: VKGL Data-share Consensus. Not counted in ClinVar's aggregate classification.

Literature cited by the submitters: PubMed 31843900 (cited by King Laboratory, University of Washington).